The following is an entry in ClinVar:

ClinVar aggregate classification (germline): Uncertain significance (1 of 4 stars; one submission).

Conditions:
Hyperekplexia 3 (HKPX3). Also called: HYPEREKPLEXIA 3, AUTOSOMAL RECESSIVE; HYPEREKPLEXIA 3, AUTOSOMAL DOMINANT. Identifiers: Orphanet 3197, MedGen C3553288, MONDO:0013827, OMIM 614618.

Allele frequency attached by ClinVar (database versions not stated): gnomAD exomes below 0.00001; ExAC 0.00001; TOPMed 0.00003.
gnomAD v4.1: 5 of 1,603,348 alleles (0.00031%); highest among the groups gnomAD compares: Middle Eastern, 0.017%; no homozygotes.

Submission:

Labcorp Genetics (formerly Invitae), Labcorp
Classification: Uncertain significance for Hyperekplexia 3. Last evaluated: 2022-08-09. Review status: criteria provided, single submitter. Criteria: Invitae Variant Classification Sherloc (09022015). Collection method: clinical testing. Allele origin: germline.
Comment: This sequence change replaces proline, which is neutral and non-polar, with leucine, which is neutral and non-polar, at codon 85 of the SLC6A5 protein (p.Pro85Leu). The frequency data for this variant in the population databases is considered unreliable, as metrics indicate poor data quality at this position in the gnomAD database. This variant has not been reported in the literature in individuals affected with SLC6A5-related conditions. ClinVar contains an entry for this variant (Variation ID: 1389305). Advanced modeling of protein sequence and biophysical properties (such as structural, functional, and spatial information, amino acid conservation, physicochemical variation, residue mobility, and thermodynamic stability) performed at Invitae indicates that this missense variant is not expected to disrupt SLC6A5 protein function. In summary, the available evidence is currently insufficient to determine the role of this variant in disease. Therefore, it has been classified as a Variant of Uncertain Significance.

NM_004211.5(SLC6A5):c.254C>T (p.Pro85Leu)

Gene: SLC6A5 (solute carrier family 6 member 5; plus strand). Cytogenetic location: 11p15.1.
Variant type: single nucleotide variant.
Coding change: c.254C>T on transcript NM_004211.5 (MANE Select); coding-DNA position 254, C replaced by T.
Protein change: p.Pro85Leu; replaces proline 85 with leucine.
Molecular consequence: missense variant. On other transcripts: 5 prime UTR variant (1).
Genome position (GRCh38, 1-based): chr11:20,601,379, C>T. VCF-style: chr11-20601379-C-T. GRCh37 (hg19) VCF-style: chr11-20622925-C-T.
Other names: c.-310C>T (NM_001318369.2); short protein forms P85L.
Identifiers: ClinVar variation 1389305 (VCV001389305.3), dbSNP rs751752571, ClinGen allele CA5921022.